The following is an entry in ClinVar:

ClinVar aggregate classification (germline): Pathogenic (1 of 4 stars; one submission).

Submission:

Labcorp Genetics (formerly Invitae), Labcorp
Classification: Pathogenic. Last evaluated: 2024-10-17. Review status: criteria provided, single submitter. Criteria: Invitae Variant Classification Sherloc (09022015). Collection method: clinical testing. Allele origin: germline.
Comment: This sequence change creates a premature translational stop signal (p.Ser869Leufs*12) in the COL2A1 gene. It is expected to result in an absent or disrupted protein product. Loss-of-function variants in COL2A1 are known to be pathogenic (PMID: 20179744). This variant is not present in population databases (gnomAD no frequency). This variant has not been reported in the literature in individuals affected with COL2A1-related conditions. ClinVar contains an entry for this variant (Variation ID: 1452043). For these reasons, this variant has been classified as Pathogenic.

Literature cited by the submitters: PubMed 20179744.

NM_001844.5(COL2A1):c.2604del (p.Ser869fs)

Gene: COL2A1 (collagen type II alpha 1 chain; minus strand). Cytogenetic location: 12q13.11.
Variant type: Deletion.
Coding change: c.2604del on transcript NM_001844.5 (MANE Select); coding-DNA position 2604, one base deleted (C; older notation c.2604delC).
Protein change: p.Ser869fs; shifts the reading frame from serine 869.
Molecular consequence: frameshift variant.
Genome position (GRCh38, 1-based): chr12:47,980,575, G deleted on the plus strand (C on the coding strand, the reverse complement: COL2A1 is on the minus strand); the first of 4 consecutive G bases (chr12:47,980,575-47,980,578); deleting any one gives the same sequence. VCF-style (leftmost placement, unchanged base first): chr12-47980574-AG-A. GRCh37 (hg19) VCF-style: chr12-48374357-AG-A.
Other names: c.2397del, p.Ser800fs (NM_033150.3); short protein forms S800fs, S869fs.
Identifiers: ClinVar variation 1452043 (VCV001452043.6), dbSNP rs2136537462, ClinGen allele CA2573148576.